The following is an entry in ClinVar:

ClinVar aggregate classification (germline): Likely pathogenic (0 of 4 stars; one submission).

Conditions:
Meckel syndrome, type 3 (MKS3). Also called: MECKEL-GRUBER SYNDROME, TYPE 3. Identifiers: Orphanet 564, MedGen C1846357, MONDO:0011821, OMIM 607361.

Allele frequency attached by ClinVar (database versions not stated): gnomAD exomes 0.00001 and 0.00002.
gnomAD v4.1: 29 of 1,611,762 alleles (0.0018%); highest among the groups gnomAD compares: Non-Finnish European, 0.0025%; no homozygotes.

Submission:

Juha Muilu Group; Institute for Molecular Medicine Finland (FIMM)
Classification: Likely pathogenic for Meckel syndrome type 3. Review status: no assertion criteria provided. Collection method: not provided. Allele origin: unknown.
Comment: FinDis database variant: This variant was not found or characterized by our laboratory, data were collected from public sources: see reference
ClinVar note: Converted during submission from probable-pathogenic to Likely pathogenic.

NM_153704.6(TMEM67):c.888G>T (p.Trp296Cys)

Gene: TMEM67 (transmembrane protein 67; plus strand). Cytogenetic location: 8q22.1.
Variant type: single nucleotide variant.
Coding change: c.888G>T on transcript NM_153704.6 (MANE Select); coding-DNA position 888, G replaced by T.
Protein change: p.Trp296Cys; replaces tryptophan 296 with cysteine.
Molecular consequence: missense variant. On other transcripts: non-coding transcript variant (1).
Genome position (GRCh38, 1-based): chr8:93,780,892, G>T. VCF-style: chr8-93780892-G-T. GRCh37 (hg19) VCF-style: chr8-94793120-G-T.
Other names: c.645G>T, p.Trp215Cys (NM_001142301.1); short protein forms W215C, W296C.
Identifiers: ClinVar variation 56789 (VCV000056789.2), dbSNP rs386834208, ClinGen allele CA144504.